The following is an entry in ClinVar:

NM_005732.4(RAD50):c.86G>A (p.Ser29Asn)

Gene: RAD50 (RAD50 double strand break repair protein; plus strand). Cytogenetic location: 5q31.1.
Variant type: single nucleotide variant.
Coding change: c.86G>A on transcript NM_005732.4 (MANE Select); coding-DNA position 86, G replaced by A.
Protein change: p.Ser29Asn; replaces serine 29 with asparagine.
Molecular consequence: missense variant.
Genome position (GRCh38, 1-based): chr5:132,557,410, G>A. VCF-style: chr5-132557410-G-A. GRCh37 (hg19) VCF-style: chr5-131893102-G-A.
Other names: short protein forms S29N.
Identifiers: ClinVar variation 5027703 (VCV005027703.1).

ClinVar aggregate classification (germline): Uncertain significance (1 of 4 stars; one submission).

Conditions:
Hereditary cancer-predisposing syndrome. Also called: Neoplastic Syndromes, Hereditary; Tumor predisposition; Hereditary neoplastic syndrome; Hereditary Cancer Syndrome. Identifiers: Orphanet 140162, MedGen C0027672, MeSH D009386, MONDO:0015356.

Submission:

Ambry Genetics
Classification: Uncertain significance for Hereditary cancer-predisposing syndrome. Last evaluated: 2026-06-24. Review status: criteria provided, single submitter. Criteria: Ambry Variant Classification Scheme 2023. Collection method: clinical testing. Allele origin: germline.
Comment: The p.S29N variant (also known as c.86G>A), located in coding exon 1 of the RAD50 gene, results from a G to A substitution at nucleotide position 86. The serine at codon 29 is replaced by asparagine, an amino acid with highly similar properties. This amino acid position is conserved. In addition, this alteration is predicted to be tolerated by in silico analysis. Based on the available evidence, the clinical significance of this variant remains unclear.